The following is an entry in ClinVar:

ClinVar aggregate classification (germline): Uncertain significance (1 of 4 stars; one submission).

Conditions:
Hypertrophic cardiomyopathy 10. Also called: MYL2-Related Familial Hypertrophic Cardiomyopathy; CARDIOMYOPATHY, HYPERTROPHIC, MID-LEFT VENTRICULAR CHAMBER TYPE, 2. Identifiers: MedGen C1834460, MONDO:0012112, OMIM 608758.

Submission:

Labcorp Genetics (formerly Invitae), Labcorp
Classification: Uncertain significance for Hypertrophic cardiomyopathy 10. Last evaluated: 2023-12-04. Review status: criteria provided, single submitter. Criteria: Invitae Variant Classification Sherloc (09022015). Collection method: clinical testing. Allele origin: germline.
Comment: This sequence change replaces glutamic acid, which is acidic and polar, with aspartic acid, which is acidic and polar, at codon 28 of the MYL2 protein (p.Glu28Asp). This variant is not present in population databases (gnomAD no frequency). This variant has not been reported in the literature in individuals affected with MYL2-related conditions. An algorithm developed to predict the effect of missense changes on protein structure and function (PolyPhen-2) suggests that this variant is likely to be disruptive. In summary, the available evidence is currently insufficient to determine the role of this variant in disease. Therefore, it has been classified as a Variant of Uncertain Significance.

NM_000432.4(MYL2):c.84A>C (p.Glu28Asp)

Genes: MYL2 (myosin light chain 2; minus strand), LOC114827850 (VISTA enhancer hs2149; plus strand). Cytogenetic location: 12q24.11.
Variant type: single nucleotide variant.
Coding change: c.84A>C on transcript NM_000432.4 (MANE Select); coding-DNA position 84, A replaced by C.
Protein change: p.Glu28Asp; replaces glutamic acid 28 with aspartic acid.
Molecular consequence: missense variant.
Genome position (GRCh38, 1-based): chr12:110,919,113, T>G on the plus strand (A>C on the coding strand, the complement: MYL2 is on the minus strand). VCF-style: chr12-110919113-T-G. GRCh37 (hg19) VCF-style: chr12-111356917-T-G.
Other names: c.84A>C, p.Glu28Asp (NM_001406745.1, NM_001406746.1); c.27A>C, p.Glu9Asp (NM_001406916.1); short protein forms E9D, E28D.
Identifiers: ClinVar variation 2700757 (VCV002700757.3), dbSNP rs397516410, ClinGen allele CA386700209.